The following is an entry in ClinVar:

NM_001854.4(COL11A1):c.3775G>C (p.Glu1259Gln)

Gene: COL11A1 (collagen type XI alpha 1 chain; minus strand). Cytogenetic location: 1p21.1.
Variant type: single nucleotide variant.
Coding change: c.3775G>C on transcript NM_001854.4 (MANE Select); coding-DNA position 3775, G replaced by C.
Protein change: p.Glu1259Gln; replaces glutamic acid 1259 with glutamine.
Molecular consequence: missense variant. On other transcripts: non-coding transcript variant (1).
Genome position (GRCh38, 1-based): chr1:102,915,672, C>G on the plus strand (G>C on the coding strand, the complement: COL11A1 is on the minus strand). VCF-style: chr1-102915672-C-G. GRCh37 (hg19) VCF-style: chr1-103381228-C-G.
Other names: c.3775G>C (NM_001854.3); c.3427G>C, p.Glu1143Gln (NM_001168249.1, NM_080630.4); c.3658G>C, p.Glu1220Gln (NM_001190709.2); c.3811G>C, p.Glu1271Gln (NM_080629.3); short protein forms E1220Q, E1143Q, E1259Q, E1271Q.
Identifiers: ClinVar variation 2072764 (VCV002072764.5), dbSNP rs148517780, ClinGen allele CA973849.

ClinVar aggregate classification (germline): Conflicting classifications of pathogenicity. Review status: criteria provided, conflicting classifications (1 of 4 stars). 2 submissions from 2 submitters: Uncertain significance (1); Likely benign (1). Last evaluated 2025-06-11.

Allele frequency attached by ClinVar (database versions not stated): gnomAD 0.00003; ESP Exome Variant Server 0.00008; gnomAD exomes below 0.00001; ExAC 0.00001.
gnomAD v4.1: 5 of 1,612,422 alleles (0.00031%); highest among the groups gnomAD compares: African/African-American, 0.0067%; no homozygotes.

Submissions (2):

GeneDx
Classification: Uncertain significance. Last evaluated: 2025-06-11. Review status: criteria provided, single submitter. Criteria: GeneDx Variant Classification Process June 2021. Collection method: clinical testing. Allele origin: germline. Affected: yes.
Comment: In silico analysis supports that this missense variant has a deleterious effect on protein structure/function; Has not been previously published as pathogenic or benign to our knowledge

Labcorp Genetics (formerly Invitae), Labcorp
Classification: Likely benign. Last evaluated: 2025-02-02. Review status: criteria provided, single submitter. Criteria: Invitae Variant Classification Sherloc (09022015). Collection method: clinical testing. Allele origin: germline.